The following is an entry in ClinVar:

NM_003477.3(PDHX):c.317A>G (p.Asp106Gly)

Gene: PDHX (pyruvate dehydrogenase complex component X; plus strand). Cytogenetic location: 11p13.
Variant type: single nucleotide variant.
Coding change: c.317A>G on transcript NM_003477.3 (MANE Select); coding-DNA position 317, A replaced by G.
Protein change: p.Asp106Gly; replaces aspartic acid 106 with glycine.
Molecular consequence: missense variant.
Genome position (GRCh38, 1-based): chr11:34,947,581, A>G. VCF-style: chr11-34947581-A-G. GRCh37 (hg19) VCF-style: chr11-34969128-A-G.
Other names: c.137A>G, p.Asp46Gly (NM_001135024.2); c.317A>G, p.Asp106Gly (NM_001166158.2); short protein forms D106G, D46G.
Identifiers: ClinVar variation 282337 (VCV000282337.20), dbSNP rs146456454, ClinGen allele CA5945821.

ClinVar aggregate classification (germline): Uncertain significance. Review status: criteria provided, multiple submitters, no conflicts (2 of 4 stars). 6 submissions from 6 submitters: Uncertain significance (6). Last evaluated 2025-04-15.

Conditions:
Inborn genetic diseases. Identifiers: MedGen C0950123, MeSH D030342.
Pyruvate dehydrogenase E3-binding protein deficiency (PDHXD). Also called: E3-Binding Protein (Component X) Deficiency; PYRUVATE HYDROGENASE E3-BINDING PROTEIN DEFICIENCY; Lacticacidemia due to PDX1 deficiency; LACTIC ACIDEMIA DUE TO DEFECT IN LIPOYL-CONTAINING COMPONENT X OF THE PYRUVATE DEHYDROGENASE COMPLEX. Identifiers: Orphanet 255182, MedGen C1855553, MONDO:0009503, OMIM 245349.

Allele frequency attached by ClinVar (database versions not stated): gnomAD exomes 0.00005 and 0.00008; TOPMed 0.00007; gnomAD 0.00009 and 0.00011; ExAC 0.00010; ESP Exome Variant Server 0.00015; 1000 Genomes Project 30x 0.00016; 1000 Genomes Project 0.00020.
gnomAD v4.1: 96 of 1,612,076 alleles (0.006%); highest among the groups gnomAD compares: East Asian, 0.011%; no homozygotes.

Submissions (7):

Ambry Genetics
Classification: Uncertain significance for Inborn genetic diseases. Last evaluated: 2025-04-15. Review status: criteria provided, single submitter. Criteria: Ambry Variant Classification Scheme 2023. Collection method: clinical testing. Allele origin: germline.

Labcorp Genetics (formerly Invitae), Labcorp
Classification: Uncertain significance. Last evaluated: 2025-01-01. Review status: criteria provided, single submitter. Criteria: Invitae Variant Classification Sherloc (09022015). Collection method: clinical testing. Allele origin: germline.
Comment: This sequence change replaces aspartic acid, which is acidic and polar, with glycine, which is neutral and non-polar, at codon 106 of the PDHX protein (p.Asp106Gly). The frequency data for this variant in the population databases is considered unreliable, as metrics indicate poor data quality at this position in the gnomAD database. This variant has not been reported in the literature in individuals affected with PDHX-related conditions. ClinVar contains an entry for this variant (Variation ID: 282337). Invitae Evidence Modeling of protein sequence and biophysical properties (such as structural, functional, and spatial information, amino acid conservation, physicochemical variation, residue mobility, and thermodynamic stability) indicates that this missense variant is not expected to disrupt PDHX protein function with a negative predictive value of 80%. In summary, the available evidence is currently insufficient to determine the role of this variant in disease. Therefore, it has been classified as a Variant of Uncertain Significance.

Blueprint Genetics
Classification: Uncertain significance. Last evaluated: 2024-11-25. Review status: criteria provided, single submitter. Criteria: ACMG Guidelines, 2015. Collection method: clinical testing. Allele origin: germline.

GeneDx
Classification: Uncertain significance. Last evaluated: 2022-04-07. Review status: criteria provided, single submitter. Criteria: GeneDx Variant Classification Process June 2021. Collection method: clinical testing. Allele origin: germline. Affected: yes.
Comment: Not observed at significant frequency in large population cohorts (gnomAD); In silico analysis supports that this missense variant has a deleterious effect on protein structure/function; Has not been previously published as pathogenic or benign to our knowledge

Illumina Laboratory Services, Illumina
Classification: Uncertain significance for Pyruvate dehydrogenase E3-binding protein deficiency. Last evaluated: 2018-01-13. Review status: criteria provided, single submitter. Criteria: ICSL Variant Classification Criteria 13 December 2019. Collection method: clinical testing. Allele origin: germline.

Eurofins Ntd Llc (ga)
Classification: Uncertain significance. Last evaluated: 2015-08-13. Review status: criteria provided, single submitter. Criteria: EGL Classification Definitions 2015. Collection method: clinical testing. Allele origin: germline. Observed: 1 variant allele, 1 heterozygote.

Dr. Peter K. Rogan Lab, Western University
No classification provided (evidence only). Condition: Colorectal cancer. Review status: no classification provided. Collection method: in vitro. Allele origin: not applicable. Functional consequence: retained intron. Not counted in ClinVar's aggregate classification.